The following is an entry in ClinVar:

ClinVar aggregate classification (germline): Uncertain significance (1 of 4 stars; one submission).

Conditions:
SLC35A2-congenital disorder of glycosylation. Also called: DEVELOPMENTAL AND EPILEPTIC ENCEPHALOPATHY 22; CONGENITAL DISORDER OF GLYCOSYLATION, TYPE IIm; CDG IIm; CONGENITAL DISORDER OF GLYCOSYLATION, TYPE IIm, SOMATIC MOSAIC; EPILEPTIC ENCEPHALOPATHY, EARLY INFANTILE, 22; SLC35A2-CDG. Identifiers: Orphanet 356961, MedGen C3806688, MONDO:0010478, OMIM 300896.

Allele frequency attached by ClinVar (database versions not stated): gnomAD exomes below 0.00001.
gnomAD v4.1: 3 of 1,206,209 alleles (0.00025%); highest among the groups gnomAD compares: African/African-American, 0.0035%; no homozygotes.

Submission:

Labcorp Genetics (formerly Invitae), Labcorp
Classification: Uncertain significance for SLC35A2-congenital disorder of glycosylation. Last evaluated: 2023-04-24. Review status: criteria provided, single submitter. Criteria: Invitae Variant Classification Sherloc (09022015). Collection method: clinical testing. Allele origin: germline.
Comment: In summary, the available evidence is currently insufficient to determine the role of this variant in disease. Therefore, it has been classified as a Variant of Uncertain Significance. Advanced modeling of protein sequence and biophysical properties (such as structural, functional, and spatial information, amino acid conservation, physicochemical variation, residue mobility, and thermodynamic stability) has been performed at Invitae for this missense variant, however the output from this modeling did not meet the statistical confidence thresholds required to predict the impact of this variant on SLC35A2 protein function. ClinVar contains an entry for this variant (Variation ID: 1055407). This variant has not been reported in the literature in individuals affected with SLC35A2-related conditions. This variant is not present in population databases (gnomAD no frequency). This sequence change replaces arginine, which is basic and polar, with histidine, which is basic and polar, at codon 34 of the SLC35A2 protein (p.Arg34His).

NM_005660.3(SLC35A2):c.101G>A (p.Arg34His)

Gene: SLC35A2 (solute carrier family 35 member A2; minus strand). Cytogenetic location: Xp11.23.
Variant type: single nucleotide variant.
Coding change: c.101G>A on transcript NM_005660.3 (MANE Select); coding-DNA position 101, G replaced by A.
Protein change: p.Arg34His; replaces arginine 34 with histidine.
Molecular consequence: missense variant. On other transcripts: intron variant (1).
Genome position (GRCh38, 1-based): chrX:48,909,987, C>T on the plus strand (G>A on the coding strand, the complement: SLC35A2 is on the minus strand). VCF-style: chrX-48909987-C-T. GRCh37 (hg19) VCF-style: chrX-48767264-C-T.
Other names: c.101G>A, p.Arg34His (NM_001032289.3, NM_001042498.3, NM_001282647.2); c.29G>A, p.Arg10His (NM_001282648.2); c.140G>A, p.Arg47His (NM_001282650.2); c.185G>A, p.Arg62His (NM_001282651.2); c.91+1559G>A (NM_001282649.2); short protein forms R10H, R34H, R47H, R62H.
Identifiers: ClinVar variation 1055407 (VCV001055407.7), dbSNP rs1199079627, ClinGen allele CA412898068.